The following is an entry in ClinVar:

ClinVar aggregate classification (germline): Uncertain significance (1 of 4 stars; one submission).

Conditions:
Distal hereditary motor neuropathy type 2. Identifiers: Orphanet 139525, MedGen C3711384, MeSH C580044, MONDO:0015352.

Submission:

Labcorp Genetics (formerly Invitae), Labcorp
Classification: Uncertain significance for Distal hereditary motor neuropathy type 2. Last evaluated: 2021-02-24. Review status: criteria provided, single submitter. Criteria: Invitae Variant Classification Sherloc (09022015). Collection method: clinical testing. Allele origin: germline.
Comment: This sequence change replaces histidine with tyrosine at codon 212 of the FBXO38 protein (p.His212Tyr). The histidine residue is highly conserved and there is a moderate physicochemical difference between histidine and tyrosine. This variant is not present in population databases (ExAC no frequency). In summary, the available evidence is currently insufficient to determine the role of this variant in disease. Therefore, it has been classified as a Variant of Uncertain Significance. Algorithms developed to predict the effect of sequence changes on RNA splicing suggest that this variant may create or strengthen a splice site, but this prediction has not been confirmed by published transcriptional studies. Algorithms developed to predict the effect of missense changes on protein structure and function are either unavailable or do not agree on the potential impact of this missense change (SIFT: "Deleterious"; PolyPhen-2: "Benign"; Align-GVGD: "Class C0"). This variant has not been reported in the literature in individuals with FBXO38-related conditions.

NM_205836.3(FBXO38):c.634C>T (p.His212Tyr)

Gene: FBXO38 (F-box protein 38; plus strand). Cytogenetic location: 5q32.
Variant type: single nucleotide variant.
Coding change: c.634C>T on transcript NM_205836.3 (MANE Select); coding-DNA position 634, C replaced by T.
Protein change: p.His212Tyr; replaces histidine 212 with tyrosine.
Molecular consequence: missense variant.
Genome position (GRCh38, 1-based): chr5:148,404,726, C>T. VCF-style: chr5-148404726-C-T. GRCh37 (hg19) VCF-style: chr5-147784289-C-T.
Other names: c.634C>T, p.His212Tyr (NM_001271723.2, NM_030793.5); short protein forms H212Y.
Identifiers: ClinVar variation 1449409 (VCV001449409.8), dbSNP rs746462800, ClinGen allele CA361655829.
Genomic context (GRCh38, chr5:148,404,726, plus strand): 5'-TTTTATATTTGTGTTTTAGGGGTGAATGTTCCTGAAATTCCTTGTATCCCAATGCTAAGG[C>T]ACCTTTATATGAAGTGGGTAAGACTCACTAAACCACAGCCATTTAAAGACTTCCTTTGTA-3'
Protein context (NP_995308.1, residues 202-222): PEIPCIPMLR[His212Tyr]LYMKWVRLTK